The following is an entry in ClinVar:

ClinVar aggregate classification (germline): Uncertain significance (1 of 4 stars; one submission).

Conditions:
SLC12A2-related disorder. Also called: SLC12A2-related disorders; SLC12A2-related condition.

Submission:

PreventionGenetics, part of Exact Sciences
Classification: Uncertain significance for SLC12A2-related condition. Last evaluated: 2026-05-05. Review status: criteria provided, single submitter. Criteria: ACMG Guidelines, 2015. Collection method: clinical testing. Allele origin: germline.
Comment: The SLC12A2 c.2999C>G variant is predicted to result in the amino acid substitution p.Pro1000Arg. To our knowledge, this variant has not been reported in the literature or in a large population database (gnomAD), indicating this variant is rare. At this time, the clinical significance of this variant is uncertain due to the absence of conclusive functional and genetic evidence.

NM_001046.3(SLC12A2):c.2999C>G (p.Pro1000Arg)

Gene: SLC12A2 (solute carrier family 12 member 2; plus strand). Cytogenetic location: 5q23.3.
Variant type: single nucleotide variant.
Coding change: c.2999C>G on transcript NM_001046.3 (MANE Select); coding-DNA position 2999, C replaced by G.
Protein change: p.Pro1000Arg; replaces proline 1000 with arginine.
Molecular consequence: missense variant. On other transcripts: non-coding transcript variant (1).
Genome position (GRCh38, 1-based): chr5:128,178,588, C>G. VCF-style: chr5-128178588-C-G. GRCh37 (hg19) VCF-style: chr5-127514280-C-G.
Other names: c.2951C>G, p.Pro984Arg (NM_001256461.2); short protein forms P984R, P1000R.
Identifiers: ClinVar variation 4992778 (VCV004992778.1).
Genomic context (GRCh38, chr5:128,178,588, plus strand): 5'-TTACTTTGCTTACATTTTATATTTTGCTTAATCCTTTAGAATCCAAAGGCCCTATTGTGC[C>G]TTTAAATGTAGCTGACCAAAAGCTTCTTGAAGCTAGTACACAGTTTCAGAAAAAACAAGG-3'
Protein context (NP_001037.1, residues 990-1010): LKKESKGPIV[Pro1000Arg]LNVADQKLLE